The following is an entry in ClinVar:

ClinVar aggregate classification (germline): Uncertain significance (1 of 4 stars; one submission).

Submission:

Ambry Genetics
Classification: Uncertain significance. Last evaluated: 2024-03-06. Review status: criteria provided, single submitter. Criteria: Ambry Variant Classification Scheme 2023. Collection method: clinical testing. Allele origin: germline.
Comment: The p.V523M variant (also known as c.1567G>A), located in coding exon 11 of the RINT1 gene, results from a G to A substitution at nucleotide position 1567. The valine at codon 523 is replaced by methionine, an amino acid with highly similar properties. This amino acid position is conserved. In addition, the in silico prediction for this alteration is inconclusive. Based on the available evidence, the clinical significance of this alteration remains unclear.

NM_021930.6(RINT1):c.1567G>A (p.Val523Met)

Gene: RINT1 (RAD50 interactor 1; plus strand). Cytogenetic location: 7q22.3.
Variant type: single nucleotide variant.
Coding change: c.1567G>A on transcript NM_021930.6 (MANE Select); coding-DNA position 1567, G replaced by A.
Protein change: p.Val523Met; replaces valine 523 with methionine.
Molecular consequence: missense variant.
Genome position (GRCh38, 1-based): chr7:105,555,123, G>A. VCF-style: chr7-105555123-G-A. GRCh37 (hg19) VCF-style: chr7-105195570-G-A.
Other names: c.1333G>A, p.Val445Met (NM_001346599.2); c.544G>A, p.Val182Met (NM_001346600.2, NM_001346603.2); c.643G>A, p.Val215Met (NM_001346601.2); short protein forms V182M, V215M, V445M, V523M.
Identifiers: ClinVar variation 3227609 (VCV003227609.1), dbSNP rs2485149677, ClinGen allele CA368811659.